The following is an entry in ClinVar:

ClinVar aggregate classification (germline): Benign (0 of 4 stars; one submission).

Conditions:
PTPRT-related disorder. Also called: PTPRT-related condition.

Allele frequency attached by ClinVar (database versions not stated): 1000 Genomes Project 0.14397; 1000 Genomes Project 30x 0.15053; TOPMed 0.19417; ExAC 0.19511; gnomAD 0.19737; ESP Exome Variant Server 0.21199; gnomAD exomes 0.22753.
gnomAD v4.1: 361,470 of 1,609,210 alleles (22%); highest among the groups gnomAD compares: Middle Eastern, 26%; 42,804 homozygotes.

Submission:

PreventionGenetics, part of Exact Sciences
Classification: Benign for PTPRT-related condition. Last evaluated: 2019-10-17. Review status: no assertion criteria provided. Collection method: clinical testing. Allele origin: germline.
Comment: This variant is classified as benign based on ACMG/AMP sequence variant interpretation guidelines (Richards et al. 2015 PMID: 25741868, with internal and published modifications).

NM_007050.6(PTPRT):c.3861C>T (p.Tyr1287=)

Gene: PTPRT (protein tyrosine phosphatase receptor type T; minus strand). Cytogenetic location: 20q12.
Variant type: single nucleotide variant.
Coding change: c.3861C>T on transcript NM_007050.6 (MANE Select); coding-DNA position 3861, C replaced by T.
Protein change: p.Tyr1287=; no amino-acid change (tyrosine 1287 retained).
Molecular consequence: synonymous variant.
Genome position (GRCh38, 1-based): chr20:42,085,839, G>A on the plus strand (C>T on the coding strand, the complement: PTPRT is on the minus strand). VCF-style: chr20-42085839-G-A. GRCh37 (hg19) VCF-style: chr20-40714479-G-A.
Other names: c.3918C>T, p.Tyr1306= (NM_001394024.1, NM_133170.4); c.3885C>T, p.Tyr1295= (NM_001394025.1).
Identifiers: ClinVar variation 3060307 (VCV003060307.2), dbSNP rs2016647, ClinGen allele CA9863723.